The following is an entry in ClinVar:

NM_001127222.2(CACNA1A):c.1748C>T (p.Ala583Val)

Gene: CACNA1A (calcium voltage-gated channel subunit alpha1 A; minus strand). Cytogenetic location: 19p13.13.
Variant type: single nucleotide variant.
Coding change: c.1748C>T on transcript NM_001127222.2 (MANE Select); coding-DNA position 1748, C replaced by T.
Protein change: p.Ala583Val; replaces alanine 583 with valine.
Molecular consequence: missense variant.
Genome position (GRCh38, 1-based): chr19:13,308,449, G>A on the plus strand (C>T on the coding strand, the complement: CACNA1A is on the minus strand). VCF-style: chr19-13308449-G-A. GRCh37 (hg19) VCF-style: chr19-13419263-G-A.
Other names: c.1751C>T, p.Ala584Val (NM_000068.4, NM_001127221.2, NM_001174080.2 and 1 more transcripts); short protein forms A583V, A584V.
Identifiers: ClinVar variation 1467266 (VCV001467266.8), dbSNP rs2145005553, ClinGen allele CA404345084.

ClinVar aggregate classification (germline): Uncertain significance (1 of 4 stars; one submission).

Conditions:
Developmental and epileptic encephalopathy, 42 (DEE42A). Also called: DEVELOPMENTAL AND EPILEPTIC ENCEPHALOPATHY 42A; EPILEPTIC ENCEPHALOPATHY, EARLY INFANTILE, 42A; Epileptic encephalopathy, early infantile, 42. Identifiers: MedGen C4310716, MONDO:0014917, OMIM 617106.
Episodic ataxia type 2 (EA2). Also called: ATAXIA, EPISODIC, WITH NYSTAGMUS; ATAXIA, FAMILIAL PAROXYSMAL; CEREBELLAR ATAXIA, PAROXYSMAL, ACETAZOLAMIDE-RESPONSIVE; CEREBELLOPATHY, HEREDITARY PAROXYSMAL; EPISODIC ATAXIA, NYSTAGMUS-ASSOCIATED; ACETAZOLAMIDE-RESPONSIVE HEREDITARY PAROXYSMAL CEREBELLAR ATAXIA. Identifiers: Orphanet 97, MedGen C1720416, MONDO:0007163, OMIM 108500.

Submission:

Labcorp Genetics (formerly Invitae), Labcorp
Classification: Uncertain significance for Developmental and epileptic encephalopathy, 42; Episodic ataxia type 2. Last evaluated: 2020-11-03. Review status: criteria provided, single submitter. Criteria: Invitae Variant Classification Sherloc (09022015). Collection method: clinical testing. Allele origin: germline.
Comment: Advanced modeling of protein sequence and biophysical properties (such as structural, functional, and spatial information, amino acid conservation, physicochemical variation, residue mobility, and thermodynamic stability) performed at Invitae indicates that this missense variant is expected to disrupt CACNA1A protein function. In summary, the available evidence is currently insufficient to determine the role of this variant in disease. Therefore, it has been classified as a Variant of Uncertain Significance. This variant has not been reported in the literature in individuals with CACNA1A-related conditions. This variant is not present in population databases (ExAC no frequency). This sequence change replaces alanine with valine at codon 584 of the CACNA1A protein (p.Ala584Val). The alanine residue is highly conserved and there is a small physicochemical difference between alanine and valine.